The following is an entry in ClinVar:

ClinVar aggregate classification (germline): Pathogenic. Review status: criteria provided, multiple submitters, no conflicts (2 of 4 stars). 2 submissions from 2 submitters: Pathogenic (2). Last evaluated 2017-05-19.

Conditions:
Hereditary cancer-predisposing syndrome. Also called: Hereditary Cancer Syndrome; Hereditary neoplastic syndrome; Neoplastic Syndromes, Hereditary; Tumor predisposition. Identifiers: Orphanet 140162, MedGen C0027672, MeSH D009386, MONDO:0015356.
Familial multiple polyposis syndrome (FAP). Also called: Familial adenomatous polyposis; Familial Adenomatous Polyposis (FAP); Familial intestinal polyposis; Familial polyposis; Classic familial adenomatous polyposis. Identifiers: Orphanet 733, MedGen C0032580, MONDO:0021055. Disease mechanism: loss of function.

Submissions (2):

Ambry Genetics
Classification: Pathogenic for Hereditary cancer-predisposing syndrome. Last evaluated: 2017-05-19. Review status: criteria provided, single submitter. Criteria: Ambry Variant Classification Scheme 2023. Collection method: clinical testing. Allele origin: germline.
Comment: The p.E1576* pathogenic mutation (also known as c.4726G>T), located in coding exon 15 of the APC gene, results from a G to T substitution at nucleotide position 4726. This changes the amino acid from a glutamic acid to a stop codon within coding exon 15. This alteration is expected to result in loss of function by premature protein truncation or nonsense-mediated mRNA decay. As such, this alteration is interpreted as a disease-causing mutation.

Department of Pathology and Laboratory Medicine, Sinai Health System
Classification: Pathogenic for Familial multiple polyposis syndrome. Review status: criteria provided, single submitter. Criteria: ACMG Guidelines, 2015. Collection method: clinical testing. Allele origin: germline. Affected: yes. Study: Canadian Open Genetics Repository (COGR).

NM_000038.6(APC):c.4726G>T (p.Glu1576Ter)

Gene: APC (APC regulator of Wnt signaling pathway; plus strand). Cytogenetic location: 5q22.2.
Variant type: single nucleotide variant.
Coding change: c.4726G>T on transcript NM_000038.6 (MANE Select); coding-DNA position 4726, G replaced by T.
Protein change: p.Glu1576Ter; replaces glutamic acid 1576 with a stop codon.
Molecular consequence: nonsense.
Genome position (GRCh38, 1-based): chr5:112,840,320, G>T. VCF-style: chr5-112840320-G-T. GRCh37 (hg19) VCF-style: chr5-112176017-G-T.
Other names: c.4726G>T, p.Glu1576Ter (NM_001127510.3, NM_001354895.2); c.4672G>T, p.Glu1558Ter (NM_001127511.3); c.4780G>T, p.Glu1594Ter (NM_001354896.2); c.4756G>T, p.Glu1586Ter (NM_001354897.2); c.4651G>T, p.Glu1551Ter (NM_001354898.2); c.4642G>T, p.Glu1548Ter (NM_001354899.2); c.4603G>T, p.Glu1535Ter (NM_001354900.2); c.4549G>T, p.Glu1517Ter (NM_001354901.2); and 5 more; short protein forms E1558*, E1576*, E1450*, E1475*, E1551*, E1293*, E1594*, E1485*.
Identifiers: ClinVar variation 433666 (VCV000433666.4), dbSNP rs1554086134, ClinGen allele CA16031696.